The following is an entry in ClinVar:

ClinVar aggregate classification (germline): Likely benign. Review status: criteria provided, single submitter (1 of 4 stars). 2 submissions from 2 submitters: Likely benign (1). 1 of the submissions does not count toward it. Last evaluated 2023-12-11.

Conditions:
Cognitive impairment - coarse facies - heart defects - obesity - pulmonary involvement - short stature - skeletal dysplasia syndrome. Also called: AFF4-Related CHOPS Syndrome; COGNITIVE IMPAIRMENT, COARSE FACIES, HEART DEFECTS, OBESITY, PULMONARY INVOLVEMENT, SHORT STATURE, AND SKELETAL DYSPLASIA; Chops syndrome. Identifiers: Orphanet 444077, MedGen C4085597, MONDO:0014609, OMIM 616368.
AFF4-related disorder. Also called: AFF4-related condition.

Allele frequency attached by ClinVar (database versions not stated): gnomAD 0.00001; TOPMed 0.00001.
gnomAD v4.1: 1 of 1,613,926 alleles (0.000062%); highest among the groups gnomAD compares: Admixed American, 0.0017%; no homozygotes.

Submissions (2):

Labcorp Genetics (formerly Invitae), Labcorp
Classification: Likely benign for Cognitive impairment - coarse facies - heart defects - obesity - pulmonary involvement - short stature - skeletal dysplasia syndrome. Last evaluated: 2023-12-11. Review status: criteria provided, single submitter. Criteria: Invitae Variant Classification Sherloc (09022015). Collection method: clinical testing. Allele origin: germline.

PreventionGenetics, part of Exact Sciences
Classification: Likely benign for AFF4-related condition. Last evaluated: 2024-08-30. Review status: no assertion criteria provided. Collection method: clinical testing. Allele origin: germline. Not counted in ClinVar's aggregate classification.
Comment: This variant is classified as likely benign based on ACMG/AMP sequence variant interpretation guidelines (Richards et al. 2015 PMID: 25741868, with internal and published modifications).

NM_014423.4(AFF4):c.1557T>C (p.Ser519=)

Gene: AFF4 (ALF transcription elongation factor 4; minus strand). Cytogenetic location: 5q31.1.
Variant type: single nucleotide variant.
Coding change: c.1557T>C on transcript NM_014423.4 (MANE Select); coding-DNA position 1557, T replaced by C.
Protein change: p.Ser519=; no amino-acid change (serine 519 retained).
Molecular consequence: synonymous variant.
Genome position (GRCh38, 1-based): chr5:132,897,073, A>G on the plus strand (T>C on the coding strand, the complement: AFF4 is on the minus strand). VCF-style: chr5-132897073-A-G. GRCh37 (hg19) VCF-style: chr5-132232765-A-G.
Other names: c.1557T>C (NM_014423.3).
Identifiers: ClinVar variation 1934875 (VCV001934875.7), dbSNP rs1185916016, ClinGen allele CA446499416.